The following is an entry in ClinVar:

NM_033380.3(COL4A5):c.2906C>A (p.Pro969His)

Gene: COL4A5 (collagen type IV alpha 5 chain; plus strand). Cytogenetic location: Xq22.3.
Variant type: single nucleotide variant.
Coding change: c.2906C>A on transcript NM_033380.3 (MANE Select); coding-DNA position 2906, C replaced by A.
Protein change: p.Pro969His; replaces proline 969 with histidine.
Molecular consequence: missense variant.
Genome position (GRCh38, 1-based): chrX:108,622,814, C>A. VCF-style: chrX-108622814-C-A. GRCh37 (hg19) VCF-style: chrX-107866044-C-A.
Other names: c.2906C>A, p.Pro969His (NM_000495.5); short protein forms P969H.
Identifiers: ClinVar variation 4795721 (VCV004795721.1).

ClinVar aggregate classification (germline): Uncertain significance (1 of 4 stars; one submission).

gnomAD v4.1: 8 of 1,207,272 alleles (0.00066%); highest among the groups gnomAD compares: Non-Finnish European, 0.00089%; no homozygotes.

Submission:

GeneDx
Classification: Uncertain significance. Last evaluated: 2025-08-12. Review status: criteria provided, single submitter. Criteria: GeneDx Variant Classification Process June 2021. Collection method: clinical testing. Allele origin: germline. Affected: yes.
Comment: In silico analysis supports that this missense variant has a deleterious effect on protein structure/function; Occurs in the triple helical domain at the Y position in the canonical Gly-X-Y repeat; although this variant may have an effect on normal protein folding and function, missense substitution at the Y position is not a common mechanism of disease; Has not been previously published as pathogenic or benign to our knowledge